The following is an entry in ClinVar:

ClinVar aggregate classification (germline): Uncertain significance (1 of 4 stars; one submission).

Allele frequency attached by ClinVar (database versions not stated): gnomAD exomes below 0.00001.
gnomAD v4.1: 4 of 1,613,012 alleles (0.00025%); highest among the groups gnomAD compares: Non-Finnish European, 0.00034%; no homozygotes.

Submission:

Labcorp Genetics (formerly Invitae), Labcorp
Classification: Uncertain significance. Last evaluated: 2021-12-08. Review status: criteria provided, single submitter. Criteria: Invitae Variant Classification Sherloc (09022015). Collection method: clinical testing. Allele origin: germline.
Comment: This sequence change replaces lysine, which is basic and polar, with arginine, which is basic and polar, at codon 1447 of the CACNA1B protein (p.Lys1447Arg). This variant is not present in population databases (gnomAD no frequency). This variant has not been reported in the literature in individuals affected with CACNA1B-related conditions. Advanced modeling of protein sequence and biophysical properties (such as structural, functional, and spatial information, amino acid conservation, physicochemical variation, residue mobility, and thermodynamic stability) performed at Invitae indicates that this missense variant is not expected to disrupt CACNA1B protein function. In summary, the available evidence is currently insufficient to determine the role of this variant in disease. Therefore, it has been classified as a Variant of Uncertain Significance.

NM_000718.4(CACNA1B):c.4340A>G (p.Lys1447Arg)

Gene: CACNA1B (calcium voltage-gated channel subunit alpha1 B; plus strand). Cytogenetic location: 9q34.3.
Variant type: single nucleotide variant.
Coding change: c.4340A>G on transcript NM_000718.4 (MANE Select); coding-DNA position 4340, A replaced by G.
Protein change: p.Lys1447Arg; replaces lysine 1447 with arginine.
Molecular consequence: missense variant.
Genome position (GRCh38, 1-based): chr9:138,058,600, A>G. VCF-style: chr9-138058600-A-G. GRCh37 (hg19) VCF-style: chr9-140953052-A-G.
Other names: c.4340A>G, p.Lys1447Arg (NM_001243812.2); short protein forms K1447R.
Identifiers: ClinVar variation 1969706 (VCV001969706.5), dbSNP rs2539458654, ClinGen allele CA375814469.
Genomic context (GRCh38, chr9:138,058,600, plus strand): 5'-AGTCTCTGTGCTCCTTTCTCCCCTTACAGAGGGCTTGCATTGACTTCGCCATCAGCGCCA[A>G]ACCCCTGACACGGTACATGCCCCAAAACCGGCAGTCGTTCCAGTATAAGACGTGGACATT-3'
Protein context (NP_000709.1, residues 1437-1457): RACIDFAISA[Lys1447Arg]PLTRYMPQNR